The following is an entry in ClinVar:

ClinVar aggregate classification (germline): Conflicting classifications of pathogenicity. Review status: criteria provided, conflicting classifications (1 of 4 stars). 3 submissions from 3 submitters: Uncertain significance (2); Likely benign (1). Last evaluated 2025-05-12.

Conditions:
Ataxia-telangiectasia syndrome (AT). Also called: ATAXIA-TELANGIECTASIA, FRESNO VARIANT; Ataxia-telangiectasia, complementation group E; Ataxia telangiectasia (A-T); Cerebello-oculocutaneous telangiectasia; Immunodeficiency with ataxia telangiectasia; LOUIS-BAR SYNDROME. Identifiers: Orphanet 100, MedGen C0004135, MONDO:0008840, OMIM 208900.
Hereditary cancer-predisposing syndrome. Also called: Hereditary Cancer Syndrome; Tumor predisposition; Neoplastic Syndromes, Hereditary; Hereditary neoplastic syndrome. Identifiers: Orphanet 140162, MedGen C0027672, MeSH D009386, MONDO:0015356.

Submissions (3):

Color Diagnostics, LLC DBA Color Health
Classification: Uncertain significance for Hereditary cancer-predisposing syndrome. Last evaluated: 2025-05-12. Review status: criteria provided, single submitter. Criteria: ACMG Guidelines, 2015. Collection method: clinical testing. Allele origin: germline.
Comment: This missense variant replaces glutamic acid with alanine at codon 839 of the ATM protein. Computational prediction suggests that this variant may not impact protein structure and function. To our knowledge, functional studies have not been reported for this variant. This variant has not been reported in individuals affected with ATM-related disorders in the literature. This variant has not been identified in the general population by the Genome Aggregation Database (gnomAD). The available evidence is insufficient to determine the role of this variant in disease conclusively. Therefore, this variant is classified as a Variant of Uncertain Significance.

Ambry Genetics
Classification: Likely benign for Hereditary cancer-predisposing syndrome. Last evaluated: 2024-10-18. Review status: criteria provided, single submitter. Criteria: Ambry Variant Classification Scheme 2023. Collection method: clinical testing. Allele origin: germline.

Labcorp Genetics (formerly Invitae), Labcorp
Classification: Uncertain significance for Ataxia-telangiectasia syndrome. Last evaluated: 2021-08-26. Review status: criteria provided, single submitter. Criteria: Invitae Variant Classification Sherloc (09022015). Collection method: clinical testing. Allele origin: germline.
Comment: This sequence change replaces glutamic acid with alanine at codon 839 of the ATM protein (p.Glu839Ala). The glutamic acid residue is weakly conserved and there is a moderate physicochemical difference between glutamic acid and alanine. In summary, the available evidence is currently insufficient to determine the role of this variant in disease. Therefore, it has been classified as a Variant of Uncertain Significance. Algorithms developed to predict the effect of missense changes on protein structure and function (SIFT, PolyPhen-2, Align-GVGD) all suggest that this variant is likely to be tolerated, but these predictions have not been confirmed by published functional studies and their clinical significance is uncertain. This variant has not been reported in the literature in individuals with ATM-related disease. This variant is not present in population databases (ExAC no frequency).

NM_000051.4(ATM):c.2516A>C (p.Glu839Ala)

Gene: ATM (ATM serine/threonine kinase; plus strand). Cytogenetic location: 11q22.3.
Variant type: single nucleotide variant.
Coding change: c.2516A>C on transcript NM_000051.4 (MANE Select); coding-DNA position 2516, A replaced by C.
Protein change: p.Glu839Ala; replaces glutamic acid 839 with alanine.
Molecular consequence: missense variant.
Genome position (GRCh38, 1-based): chr11:108,267,220, A>C. VCF-style: chr11-108267220-A-C. GRCh37 (hg19) VCF-style: chr11-108137947-A-C.
Other names: c.2516A>C, p.Glu839Ala (NM_001351834.2); short protein forms E839A.
Identifiers: ClinVar variation 651910 (VCV000651910.9), dbSNP rs1591587459, ClinGen allele CA382543435.